The following is an entry in ClinVar:

ClinVar aggregate classification (germline): Uncertain significance (1 of 4 stars; one submission).

Conditions:
Neurodegeneration with brain iron accumulation 4 (NBIA4). Also called: MITOCHONDRIAL PROTEIN-ASSOCIATED NEURODEGENERATION. Identifiers: Orphanet 289560, MedGen C3280371, MONDO:0013674, OMIM 614298. Disease mechanism: loss of function.
Hereditary spastic paraplegia 43. Also called: Spastic paraplegia 43, autosomal recessive. Identifiers: Orphanet 320370, MedGen C2680446, MONDO:0014024, OMIM 615043.

Submission:

Kariminejad - Najmabadi Pathology & Genetics Center
Classification: Uncertain significance for Hereditary spastic paraplegia 43; Neurodegeneration with brain iron accumulation 4. Last evaluated: 2022-08-01. Review status: criteria provided, single submitter. Criteria: ACMG Guidelines, 2015. Collection method: clinical testing. Allele origin: germline. Inheritance: Autosomal recessive inheritance. Affected: yes.
Comment: PM2 PP3

NM_031448.6(C19orf12):c.410T>A (p.Ile137Asn)

Gene: C19orf12 (chromosome 19 open reading frame 12; minus strand). Cytogenetic location: 19q12.
Variant type: single nucleotide variant.
Coding change: c.410T>A on transcript NM_031448.6 (MANE Select); coding-DNA position 410, T replaced by A.
Protein change: p.Ile137Asn; replaces isoleucine 137 with asparagine.
Molecular consequence: missense variant. On other transcripts: 3 prime UTR variant (1).
Genome position (GRCh38, 1-based): chr19:29,702,728, A>T on the plus strand (T>A on the coding strand, the complement: C19orf12 is on the minus strand). VCF-style: chr19-29702728-A-T. GRCh37 (hg19) VCF-style: chr19-30193635-A-T.
Other names: c.410T>A, p.Ile137Asn (NM_001031726.4, NM_001256047.2); c.*31T>A (NM_001256046.3); c.218T>A, p.Ile73Asn (NM_001282929.1, NM_001282930.3, NM_001282931.3); short protein forms I137N, I73N.
Identifiers: ClinVar variation 3896786 (VCV003896786.1).
Genomic context (GRCh38, chr19:29,702,728, plus strand): 5'-ACAGAGTCATTTAAAGGGGCCCCCCACCTCCCCGGAGGTGCGGCCTAGTCATCATACTGG[A>T]TCTCGGCCCGCAGCTCCTTGGTGACGTAGTTCACCAGCATGGCCAGCAGCTGCTGCTGCA-3'
Protein context (NP_113636.2, residues 127-141): NYVTKELRAE[Ile137Asn]QYDD